The following is an entry in ClinVar:

ClinVar aggregate classification (germline): Uncertain significance (1 of 4 stars; one submission).

Conditions:
Hajdu-Cheney syndrome (HJCYS). Also called: Acroosteolysis dominant type; ACROOSTEOLYSIS WITH OSTEOPOROSIS AND CHANGES IN SKULL AND MANDIBLE; SERPENTINE FIBULA-POLYCYSTIC KIDNEY SYNDROME. Identifiers: Orphanet 955, MedGen C0917715, MONDO:0007057, OMIM 102500.

Submission:

Labcorp Genetics (formerly Invitae), Labcorp
Classification: Uncertain significance for Hajdu-Cheney syndrome. Last evaluated: 2025-11-25. Review status: criteria provided, single submitter. Criteria: Invitae Variant Classification Sherloc (09022015). Collection method: clinical testing. Allele origin: germline.
Comment: This sequence change replaces valine, which is neutral and non-polar, with isoleucine, which is neutral and non-polar, at codon 2146 of the NOTCH2 protein (p.Val2146Ile). This variant is not present in population databases (gnomAD no frequency). This variant has not been reported in the literature in individuals affected with NOTCH2-related conditions. Invitae Evidence Modeling of protein sequence and biophysical properties (such as structural, functional, and spatial information, amino acid conservation, physicochemical variation, residue mobility, and thermodynamic stability) indicates that this missense variant is not expected to disrupt NOTCH2 protein function with a negative predictive value of 80%. In summary, the available evidence is currently insufficient to determine the role of this variant in disease. Therefore, it has been classified as a Variant of Uncertain Significance.

NM_024408.4(NOTCH2):c.6436G>A (p.Val2146Ile)

Gene: NOTCH2 (notch receptor 2; minus strand). Cytogenetic location: 1p12.
Variant type: single nucleotide variant.
Coding change: c.6436G>A on transcript NM_024408.4 (MANE Select); coding-DNA position 6436, G replaced by A.
Protein change: p.Val2146Ile; replaces valine 2146 with isoleucine.
Molecular consequence: missense variant.
Genome position (GRCh38, 1-based): chr1:119,916,286, C>T on the plus strand (G>A on the coding strand, the complement: NOTCH2 is on the minus strand). VCF-style: chr1-119916286-C-T. GRCh37 (hg19) VCF-style: chr1-120458909-C-T.
Other names: short protein forms V2146I.
Identifiers: ClinVar variation 4742414 (VCV004742414.1).